The following is an entry in ClinVar:

ClinVar aggregate classification (germline): Uncertain significance. Review status: criteria provided, multiple submitters, no conflicts (2 of 4 stars). 2 submissions from 2 submitters: Uncertain significance (2). Last evaluated 2025-06-01.

Conditions:
Hereditary cancer-predisposing syndrome. Also called: Hereditary Cancer Syndrome; Hereditary neoplastic syndrome; Neoplastic Syndromes, Hereditary; Tumor predisposition. Identifiers: Orphanet 140162, MedGen C0027672, MeSH D009386, MONDO:0015356.
Renal cell carcinoma. Identifiers: Orphanet 217071, MedGen C0007134, MeSH D002292, MONDO:0005086, HP:0005584.

Submissions (2):

Labcorp Genetics (formerly Invitae), Labcorp
Classification: Uncertain significance for Renal cell carcinoma. Last evaluated: 2025-06-01. Review status: criteria provided, single submitter. Criteria: Invitae Variant Classification Sherloc (09022015). Collection method: clinical testing. Allele origin: germline.
Comment: This sequence change replaces proline, which is neutral and non-polar, with arginine, which is basic and polar, at codon 865 of the MET protein (p.Pro865Arg). This variant is not present in population databases (gnomAD no frequency). This variant has not been reported in the literature in individuals affected with MET-related conditions. ClinVar contains an entry for this variant (Variation ID: 1430177). An algorithm developed to predict the effect of missense changes on protein structure and function (PolyPhen-2) suggests that this variant is likely to be disruptive. In summary, the available evidence is currently insufficient to determine the role of this variant in disease. Therefore, it has been classified as a Variant of Uncertain Significance.

Ambry Genetics
Classification: Uncertain significance for Hereditary cancer-predisposing syndrome. Last evaluated: 2023-09-15. Review status: criteria provided, single submitter. Criteria: Ambry Variant Classification Scheme 2023. Collection method: clinical testing. Allele origin: germline.
Comment: The p.P865R variant (also known as c.2594C>G), located in coding exon 10 of the MET gene, results from a C to G substitution at nucleotide position 2594. The proline at codon 865 is replaced by arginine, an amino acid with dissimilar properties. This amino acid position is conserved. In addition, this alteration is predicted to be deleterious by in silico analysis. Since supporting evidence is limited at this time, the clinical significance of this alteration remains unclear.

NM_000245.4(MET):c.2540C>G (p.Pro847Arg)

Gene: MET (MET proto-oncogene, receptor tyrosine kinase; plus strand). Cytogenetic location: 7q31.2.
Variant type: single nucleotide variant.
Coding change: c.2540C>G on transcript NM_000245.4 (MANE Select); coding-DNA position 2540, C replaced by G.
Protein change: p.Pro847Arg; replaces proline 847 with arginine.
Molecular consequence: missense variant.
Genome position (GRCh38, 1-based): chr7:116,763,225, C>G. VCF-style: chr7-116763225-C-G. GRCh37 (hg19) VCF-style: chr7-116403279-C-G.
Other names: c.2594C>G, p.Pro865Arg (NM_001127500.3); c.2540C>G, p.Pro847Arg (NM_001324401.3); c.1250C>G, p.Pro417Arg (NM_001324402.2); c.2594C>G (NM_001127500.1); short protein forms P417R, P865R, P847R.
Identifiers: ClinVar variation 1430177 (VCV001430177.9), dbSNP rs2116956803, ClinGen allele CA368983586.